The following is an entry in ClinVar:

ClinVar aggregate classification (germline): Uncertain significance (1 of 4 stars; one submission).

Allele frequency attached by ClinVar (database versions not stated): gnomAD exomes 0.00001.
gnomAD v4.1: 4 of 1,611,540 alleles (0.00025%); highest among the groups gnomAD compares: Admixed American, 0.0067%; no homozygotes.

Submission:

Labcorp Genetics (formerly Invitae), Labcorp
Classification: Uncertain significance. Last evaluated: 2025-05-18. Review status: criteria provided, single submitter. Criteria: Invitae Variant Classification Sherloc (09022015). Collection method: clinical testing. Allele origin: germline.
Comment: This sequence change replaces methionine, which is neutral and non-polar, with isoleucine, which is neutral and non-polar, at codon 438 of the IL6ST protein (p.Met438Ile). This variant is present in population databases (no rsID available, gnomAD 0.009%). This variant has not been reported in the literature in individuals affected with IL6ST-related conditions. ClinVar contains an entry for this variant (Variation ID: 1052066). An algorithm developed to predict the effect of missense changes on protein structure and function (PolyPhen-2) suggests that this variant is likely to be tolerated. In summary, the available evidence is currently insufficient to determine the role of this variant in disease. Therefore, it has been classified as a Variant of Uncertain Significance.

NM_002184.4(IL6ST):c.1314G>A (p.Met438Ile)

Gene: IL6ST (interleukin 6 cytokine family signal transducer; minus strand). Cytogenetic location: 5q11.2.
Variant type: single nucleotide variant.
Coding change: c.1314G>A on transcript NM_002184.4 (MANE Select); coding-DNA position 1314, G replaced by A.
Protein change: p.Met438Ile; replaces methionine 438 with isoleucine.
Molecular consequence: missense variant. On other transcripts: 3 prime UTR variant (1), non-coding transcript variant (2), intron variant (1).
Genome position (GRCh38, 1-based): chr5:55,954,946, C>T on the plus strand (G>A on the coding strand, the complement: IL6ST is on the minus strand). VCF-style: chr5-55954946-C-T. GRCh37 (hg19) VCF-style: chr5-55250774-C-T.
Other names: c.1314G>A, p.Met438Ile (NM_001364275.2); c.1104G>A, p.Met368Ile (NM_001364276.2); c.447G>A, p.Met149Ile (NM_001364277.2); c.411G>A, p.Met137Ile (NM_001364278.2); c.318G>A, p.Met106Ile (NM_001364279.2); c.*241G>A (NM_175767.3); c.1267+1079G>A (NM_001190981.2); short protein forms M106I, M137I, M149I, M368I, M438I.
Identifiers: ClinVar variation 1052066 (VCV001052066.9), dbSNP rs1193241552, ClinGen allele CA359763633.
Genomic context (GRCh38, chr5:55,954,946, plus strand): 5'-ACACCACTCAAGTATATATTTCTTTACAGATTCCCTTGGAGTAGTCCATTCCACCCAAAG[C>T]ATGTTATCTTTGGGGAATGCTTTAAGATCCATTACAGGGTGAGTAGCTTTAAAACAAAGT-3'
Protein context (NP_002175.2, residues 428-448): MDLKAFPKDN[Met438Ile]LWVEWTTPRE